The following is an entry in ClinVar:

NM_000214.3(JAG1):c.1707G>A (p.Thr569=)

Gene: JAG1 (jagged canonical Notch ligand 1; minus strand). Cytogenetic location: 20p12.2.
Variant type: single nucleotide variant.
Coding change: c.1707G>A on transcript NM_000214.3 (MANE Select); coding-DNA position 1707, G replaced by A.
Protein change: p.Thr569=; no amino-acid change (threonine 569 retained).
Molecular consequence: synonymous variant.
Genome position (GRCh38, 1-based): chr20:10,647,973, C>T on the plus strand (G>A on the coding strand, the complement: JAG1 is on the minus strand). VCF-style: chr20-10647973-C-T. GRCh37 (hg19) VCF-style: chr20-10628621-C-T.
Identifiers: ClinVar variation 1266234 (VCV001266234.14), dbSNP rs745608068, ClinGen allele CA9764788.

ClinVar aggregate classification (germline): Benign/Likely benign. Review status: criteria provided, multiple submitters, no conflicts (2 of 4 stars). 5 submissions from 5 submitters: Benign (1); Likely benign (3). 1 of the submissions does not count toward it. Last evaluated 2024-12-23.

Conditions:
JAG1-related disorder. Also called: JAG1-related disorders; JAG1-related condition.
Tetralogy of Fallot (TOF). Identifiers: Orphanet 3303, MedGen C0039685, MONDO:0008542, OMIM 187500, HP:0001636.
Charcot-Marie-Tooth disease, axonal, Type 2HH. Also called: CHARCOT-MARIE-TOOTH NEUROPATHY, TYPE 2HH. Identifiers: MedGen C5562003, MONDO:0030458, OMIM 619574.
Deafness, congenital heart defects, and posterior embryotoxon (DCHE). Identifiers: MedGen C1866053, MONDO:0060713, OMIM 617992.
Alagille syndrome due to a JAG1 point mutation. Also called: JAG1-Related Alagille Syndrome; Alagille Syndrome 1; HEPATIC DUCTULAR HYPOPLASIA, SYNDROMATIC. Identifiers: Orphanet 261619, Orphanet 52, MedGen C1956125, MONDO:0016862, OMIM 118450.
Cardiovascular phenotype. Identifiers: MedGen CN230736.

Allele frequency attached by ClinVar (database versions not stated): gnomAD 0.00002; gnomAD exomes 0.00002; ExAC 0.00003; TOPMed 0.00003.
gnomAD v4.1: 34 of 1,613,992 alleles (0.0021%); highest among the groups gnomAD compares: African/African-American, 0.004%; no homozygotes.

Submissions (5):

Labcorp Genetics (formerly Invitae), Labcorp
Classification: Likely benign for Alagille syndrome due to a JAG1 point mutation. Last evaluated: 2024-12-23. Review status: criteria provided, single submitter. Criteria: Invitae Variant Classification Sherloc (09022015). Collection method: clinical testing. Allele origin: germline.

Ambry Genetics
Classification: Likely benign for Cardiovascular phenotype. Last evaluated: 2023-01-22. Review status: criteria provided, single submitter. Criteria: Ambry Variant Classification Scheme 2023. Collection method: clinical testing. Allele origin: germline.

Fulgent Genetics
Classification: Likely benign for Alagille syndrome due to a JAG1 point mutation; Tetralogy of Fallot; Deafness, congenital heart defects, and posterior embryotoxon; Charcot-Marie-Tooth disease, axonal, Type 2HH. Last evaluated: 2022-01-06. Review status: criteria provided, single submitter. Criteria: ACMG Guidelines, 2015. Collection method: clinical testing. Allele origin: unknown.

GeneDx
Classification: Benign. Last evaluated: 2015-03-03. Review status: criteria provided, single submitter. Criteria: GeneDx Variant Classification Process June 2021. Collection method: clinical testing. Allele origin: germline. Affected: yes.

PreventionGenetics, part of Exact Sciences
Classification: Likely benign for JAG1-related condition. Last evaluated: 2022-05-10. Review status: no assertion criteria provided. Collection method: clinical testing. Allele origin: germline. Not counted in ClinVar's aggregate classification.
Comment: This variant is classified as likely benign based on ACMG/AMP sequence variant interpretation guidelines (Richards et al. 2015 PMID: 25741868, with internal and published modifications).